The following is an entry in ClinVar:

ClinVar aggregate classification (germline): Conflicting classifications of pathogenicity. Review status: criteria provided, conflicting classifications (1 of 4 stars). 2 submissions from 2 submitters: Uncertain significance (1); Likely benign (1). Last evaluated 2025-10-31.

Conditions:
Cardiovascular phenotype. Identifiers: MedGen CN230736.
Duchenne muscular dystrophy (DMD). Also called: MUSCULAR DYSTROPHY, PSEUDOHYPERTROPHIC PROGRESSIVE, DUCHENNE TYPE; Duchenne Muscular Dystrophy (DMD). Identifiers: Orphanet 98896, MedGen C0013264, MONDO:0010679, OMIM 310200.

Allele frequency attached by ClinVar (database versions not stated): TOPMed 0.00002; gnomAD 0.00003.
gnomAD v4.1: 24 of 1,205,189 alleles (0.002%); highest among the groups gnomAD compares: Non-Finnish European, 0.0027%; no homozygotes.

Submissions (2):

Labcorp Genetics (formerly Invitae), Labcorp
Classification: Likely benign for Duchenne muscular dystrophy. Last evaluated: 2025-10-31. Review status: criteria provided, single submitter. Criteria: Invitae Variant Classification Sherloc (09022015). Collection method: clinical testing. Allele origin: germline.

Ambry Genetics
Classification: Uncertain significance for Cardiovascular phenotype. Last evaluated: 2023-08-22. Review status: criteria provided, single submitter. Criteria: Ambry Variant Classification Scheme 2023. Collection method: clinical testing. Allele origin: germline.
Comment: The p.T471K variant (also known as c.1412C>A), located in coding exon 12 of the DMD gene, results from a C to A substitution at nucleotide position 1412. The threonine at codon 471 is replaced by lysine, an amino acid with similar properties. Based on data from gnomAD, the A allele has an overall frequency of 0.0011% (2/182473) total alleles studied, with 1 hemizygote(s) observed. The highest observed frequency was 0.0025% (2/81385) of European (non-Finnish) alleles. This amino acid position is well conserved in available vertebrate species. In addition, this alteration is predicted to be tolerated by in silico analysis. Since supporting evidence is limited at this time, the clinical significance of this alteration remains unclear.

NM_004006.3(DMD):c.1412C>A (p.Thr471Lys)

Gene: DMD (dystrophin; minus strand). Cytogenetic location: Xp21.1.
Variant type: single nucleotide variant.
Coding change: c.1412C>A on transcript NM_004006.3 (MANE Select); coding-DNA position 1412, C replaced by A.
Protein change: p.Thr471Lys; replaces threonine 471 with lysine.
Molecular consequence: missense variant.
Genome position (GRCh38, 1-based): chrX:32,614,373, G>T on the plus strand (C>A on the coding strand, the complement: DMD is on the minus strand). VCF-style: chrX-32614373-G-T. GRCh37 (hg19) VCF-style: chrX-32632490-G-T.
Other names: c.1388C>A, p.Thr463Lys (NM_000109.4); c.1400C>A, p.Thr467Lys (NM_004009.3); c.1043C>A, p.Thr348Lys (NM_004010.3); short protein forms T348K, T471K, T463K, T467K.
Identifiers: ClinVar variation 2151871 (VCV002151871.6), dbSNP rs201058100, ClinGen allele CA328539626.